The following is an entry in ClinVar:

ClinVar aggregate classification (germline): Likely pathogenic (1 of 4 stars; one submission).

Conditions:
Joubert syndrome 33. Identifiers: MedGen C4540389, MONDO:0033311, OMIM 617767.

Allele frequency attached by ClinVar (database versions not stated): gnomAD exomes below 0.00001; TOPMed below 0.00001; gnomAD 0.00001.
gnomAD v4.1: 3 of 1,589,408 alleles (0.00019%); highest among the groups gnomAD compares: African/African-American, 0.0027%; no homozygotes.

Submission:

Women's Health and Genetics/Laboratory Corporation of America, LabCorp
Classification: Likely pathogenic for Joubert syndrome 33. Last evaluated: 2023-12-26. Review status: criteria provided, single submitter. Criteria: LabCorp Variant Classification Summary - May 2015. Collection method: clinical testing. Allele origin: germline.
Comment: Variant summary: PIBF1 c.1731-1G>A is located in a canonical splice-site and is predicted to affect mRNA splicing resulting in a significantly altered protein due to either exon skipping, shortening, or inclusion of intronic material. Several computational tools predict a significant impact on normal splicing: Four predict the variant abolishes a canonical 3' acceptor site. However, these predictions have yet to be confirmed by functional studies. The variant was absent in 246100 control chromosomes (gnomAD). To our knowledge, no occurrence of c.1731-1G>A in individuals affected with Joubert Syndrome 33 and no experimental evidence demonstrating its impact on protein function have been reported. No submitters have cited clinical-significance assessments for this variant to ClinVar after 2014. Based on the evidence outlined above, the variant was classified as likely pathogenic.

NM_006346.4(PIBF1):c.1731-1G>A

Gene: PIBF1 (progesterone immunomodulatory binding factor 1; plus strand). Cytogenetic location: 13q22.1.
Variant type: single nucleotide variant.
Coding change: c.1731-1G>A on transcript NM_006346.4 (MANE Select); the canonical splice acceptor site of the intron before coding-DNA position 1731, G replaced by A.
Molecular consequence: splice acceptor variant.
Genome position (GRCh38, 1-based): chr13:72,931,164, G>A. VCF-style: chr13-72931164-G-A. GRCh37 (hg19) VCF-style: chr13-73505302-G-A.
Other names: c.1818-1G>A (NM_001349655.2).
Identifiers: ClinVar variation 2691411 (VCV002691411.1), dbSNP rs2041684401, ClinGen allele CA388345162.